The following is an entry in ClinVar:

ClinVar aggregate classification (germline): Uncertain significance (1 of 4 stars; one submission).

Conditions:
Common variable immunodeficiency (CVID). Also called: Common variable hypogamma-globulinemia; Common variable agammaglobulinemia. Identifiers: Orphanet 1572, MedGen C0009447, MONDO:0015517.

Allele frequency attached by ClinVar (database versions not stated): ExAC 0.00002; gnomAD 0.00003; gnomAD exomes 0.00003; TOPMed 0.00004.
gnomAD v4.1: 29 of 1,612,158 alleles (0.0018%); highest among the groups gnomAD compares: South Asian, 0.0099%; no homozygotes.

Submission:

Labcorp Genetics (formerly Invitae), Labcorp
Classification: Uncertain significance for Common variable immunodeficiency. Last evaluated: 2024-11-23. Review status: criteria provided, single submitter. Criteria: Invitae Variant Classification Sherloc (09022015). Collection method: clinical testing. Allele origin: germline.
Comment: This sequence change replaces arginine, which is basic and polar, with cysteine, which is neutral and slightly polar, at codon 208 of the TNFSF12 protein (p.Arg208Cys). This variant is present in population databases (rs777759037, gnomAD 0.01%). This variant has not been reported in the literature in individuals affected with TNFSF12-related conditions. ClinVar contains an entry for this variant (Variation ID: 1011288). An algorithm developed to predict the effect of missense changes on protein structure and function (PolyPhen-2) suggests that this variant is likely to be disruptive. In summary, the available evidence is currently insufficient to determine the role of this variant in disease. Therefore, it has been classified as a Variant of Uncertain Significance.

NM_003809.3(TNFSF12):c.622C>T (p.Arg208Cys)

Genes: TNFSF12 (TNF superfamily member 12; plus strand), TNFSF12-TNFSF13 (TNFSF12-TNFSF13 readthrough; plus strand). Cytogenetic location: 17p13.1.
Variant type: single nucleotide variant.
Coding change: c.622C>T on transcript NM_003809.3 (MANE Select); coding-DNA position 622, C replaced by T.
Protein change: p.Arg208Cys; replaces arginine 208 with cysteine.
Molecular consequence: missense variant. On other transcripts: non-coding transcript variant (1), intron variant (1).
Genome position (GRCh38, 1-based): chr17:7,557,222, C>T. VCF-style: chr17-7557222-C-T. GRCh37 (hg19) VCF-style: chr17-7460539-C-T.
Other names: c.498+320C>T (NM_172089.4); short protein forms R208C.
Identifiers: ClinVar variation 1011288 (VCV001011288.9), dbSNP rs777759037, ClinGen allele CA8350888.